The following is an entry in ClinVar:

NM_000059.4(BRCA2):c.6783A>C (p.Glu2261Asp)

Gene: BRCA2 (BRCA2 DNA repair associated; plus strand). Cytogenetic location: 13q13.1.
Variant type: single nucleotide variant.
Coding change: c.6783A>C on transcript NM_000059.4 (MANE Select); coding-DNA position 6783, A replaced by C.
Protein change: p.Glu2261Asp; replaces glutamic acid 2261 with aspartic acid.
Molecular consequence: missense variant. On other transcripts: non-coding transcript variant (1), intron variant (2).
Genome position (GRCh38, 1-based): chr13:32,341,138, A>C. VCF-style: chr13-32341138-A-C. GRCh37 (hg19) VCF-style: chr13-32915275-A-C.
Other names: c.6783A>C, p.Glu2261Asp (NM_001406719.1, NM_001406720.1, NM_001432077.1); c.1910-3420A>C (NM_001406721.1); c.425-3420A>C (NM_001406722.1); short protein forms E2261D.
Identifiers: ClinVar variation 3572362 (VCV003572362.4).

ClinVar aggregate classification (germline): Uncertain significance. Review status: criteria provided, multiple submitters, no conflicts (2 of 4 stars). 3 submissions from 3 submitters: Uncertain significance (3). Last evaluated 2025-05-02.

Conditions:
Hereditary cancer-predisposing syndrome. Also called: Hereditary Cancer Syndrome; Hereditary neoplastic syndrome; Tumor predisposition; Neoplastic Syndromes, Hereditary. Identifiers: Orphanet 140162, MedGen C0027672, MeSH D009386, MONDO:0015356.
Hereditary breast ovarian cancer syndrome. Also called: Hereditary breast and ovarian cancer syndrome; Breast and ovarian cancer; Hereditary breast and ovarian cancer; Hereditary breast and/or ovarian cancer syndrome; Hereditary breast and ovarian cancer syndrome (HBOC); BRCA1- and BRCA2-Associated Hereditary Breast and Ovarian Cancer. Identifiers: Orphanet 145, MedGen C0677776, MeSH D061325, MONDO:0003582. Disease mechanism: loss of function.

gnomAD v4.1: 1 of 1,613,950 alleles (0.000062%); highest among the groups gnomAD compares: Non-Finnish European, 0.000085%; no homozygotes.

Submissions (3):

Labcorp Genetics (formerly Invitae), Labcorp
Classification: Uncertain significance for Hereditary breast ovarian cancer syndrome. Last evaluated: 2025-05-02. Review status: criteria provided, single submitter. Criteria: Invitae Variant Classification Sherloc (09022015). Collection method: clinical testing. Allele origin: germline.
Comment: This sequence change replaces glutamic acid, which is acidic and polar, with aspartic acid, which is acidic and polar, at codon 2261 of the BRCA2 protein (p.Glu2261Asp). This variant is not present in population databases (gnomAD no frequency). This variant has not been reported in the literature in individuals affected with BRCA2-related conditions. ClinVar contains an entry for this variant (Variation ID: 3572362). Invitae Evidence Modeling of protein sequence and biophysical properties (such as structural, functional, and spatial information, amino acid conservation, physicochemical variation, residue mobility, and thermodynamic stability) indicates that this missense variant is not expected to disrupt BRCA2 protein function with a negative predictive value of 95%. In summary, the available evidence is currently insufficient to determine the role of this variant in disease. Therefore, it has been classified as a Variant of Uncertain Significance.

Ambry Genetics
Classification: Uncertain significance for Hereditary cancer-predisposing syndrome. Last evaluated: 2025-01-11. Review status: criteria provided, single submitter. Criteria: Ambry Variant Classification Scheme 2023. Collection method: clinical testing. Allele origin: germline.
Comment: The p.E2261D variant (also known as c.6783A>C), located in coding exon 10 of the BRCA2 gene, results from an A to C substitution at nucleotide position 6783. The glutamic acid at codon 2261 is replaced by aspartic acid, an amino acid with highly similar properties. This amino acid position is well conserved in available vertebrate species. In addition, the in silico prediction for this alteration is inconclusive. Based on the available evidence, the clinical significance of this variant remains unclear.

Quest Diagnostics Nichols Institute San Juan Capistrano
Classification: Uncertain significance. Last evaluated: 2024-12-03. Review status: criteria provided, single submitter. Criteria: Quest Diagnostics criteria. Collection method: clinical testing. Allele origin: unknown.
Comment: The BRCA2 c.6783A>C (p.Glu2261Asp) variant has been reported in the published literature in a reportedly healthy individual (PMID: 36243179 (2023)), but not in individuals with BRCA2-related conditions. It also has not been reported in large, multi-ethnic general populations (Genome Aggregation Database). Analysis of this variant using bioinformatics tools for the prediction of the effect of amino acid changes on protein structure and function yielded predictions that this variant is benign. Based on the available information, we are unable to determine the clinical significance of this variant.

Literature cited by the submitters: PubMed 25348012 (cited by Quest Diagnostics Nichols Institute San Juan Capistrano); PubMed 29884841 (cited by Quest Diagnostics Nichols Institute San Juan Capistrano); PubMed 36243179 (cited by Quest Diagnostics Nichols Institute San Juan Capistrano).